The following is an entry in ClinVar:

ClinVar aggregate classification (germline): Uncertain significance (1 of 4 stars; one submission).

Conditions:
Developmental and epileptic encephalopathy, 31A. Also called: Epileptic encephalopathy, early infantile, 31; Developmental and epileptic encephalopathy, 31. Identifiers: Orphanet 2382, MedGen C4225357, MONDO:0014598, OMIM 616346.

Submission:

Labcorp Genetics (formerly Invitae), Labcorp
Classification: Uncertain significance for Developmental and epileptic encephalopathy, 31A. Last evaluated: 2023-01-05. Review status: criteria provided, single submitter. Criteria: Invitae Variant Classification Sherloc (09022015). Collection method: clinical testing. Allele origin: germline.
Comment: In summary, the available evidence is currently insufficient to determine the role of this variant in disease. Therefore, it has been classified as a Variant of Uncertain Significance. Experimental studies and prediction algorithms are not available or were not evaluated, and the functional significance of this variant is currently unknown. This variant has not been reported in the literature in individuals affected with DNM1-related conditions. This variant is not present in population databases (gnomAD no frequency). This sequence change results in a frameshift in the DNM1 gene (p.Arg792Leufs*90). While this is not anticipated to result in nonsense mediated decay, it is expected to disrupt the last 73 amino acid(s) of the DNM1 protein and extend the protein by 16 additional amino acid residues.

NM_004408.4(DNM1):c.2375_2393del (p.Arg792fs)

Genes: DNM1 (dynamin 1; plus strand), LOC130002698 (ATAC-STARR-seq lymphoblastoid silent region 20332; plus strand). Cytogenetic location: 9q34.11.
Variant type: Deletion.
Coding change: c.2375_2393del on transcript NM_004408.4 (MANE Select); coding-DNA positions 2375 to 2393, 19 bases deleted (GGCCCGGGTCGCGGGGCCC).
Protein change: p.Arg792fs; shifts the reading frame from arginine 792.
Molecular consequence: frameshift variant.
Genome position (GRCh38, 1-based): chr9:128,250,781-128,250,799, GGCCCGGGTCGCGGGGCCC deleted; deleting any 19 consecutive bases within chr9:128,250,777-128,250,799 gives the same sequence; the c. name uses the placement nearest the transcript's 3' end. VCF-style (leftmost placement, unchanged base first): chr9-128250776-AGCCCGGCCCGGGTCGCGGG-A. GRCh37 (hg19) VCF-style: chr9-131013055-AGCCCGGCCCGGGTCGCGGG-A.
Other names: c.2375_2393del, p.Arg792fs (NM_001005336.3, NM_001288737.2, NM_001288738.2 and 2 more transcripts); short protein forms R792fs.
Identifiers: ClinVar variation 2826338 (VCV002826338.3), dbSNP rs2539127769, ClinGen allele CA2739265051.
Genomic context (GRCh38, chr9:128,250,776, plus strand): 5'-CGCCCTCAGGTCGCCCACGTCCAGCCCCACGCCGCAGCGCCGAGCCCCCGCCGTGCCCCC[AGCCCGGCCCGGGTCGCGGG>A]GCCCTGCTCCTGGGCCTCCGCCTGCTGGGTCCGCCCTGGGGGGGGCGCCCCCCGTGCCCT-3'